The following is an entry in ClinVar:

NM_004006.3(DMD):c.6611del (p.Lys2204fs)

Gene: DMD (dystrophin; minus strand). Cytogenetic location: Xp21.1.
Variant type: Deletion.
Coding change: c.6611del on transcript NM_004006.3 (MANE Select); coding-DNA position 6611, one base deleted (A; older notation c.6611delA).
Protein change: p.Lys2204fs; shifts the reading frame from lysine 2204.
Molecular consequence: frameshift variant. On other transcripts: 5 prime UTR variant (5).
Genome position (GRCh38, 1-based): chrX:31,968,342, T deleted on the plus strand (A on the coding strand, the reverse complement: DMD is on the minus strand); the first of 6 consecutive T bases (chrX:31,968,342-31,968,347); deleting any one gives the same sequence. VCF-style (leftmost placement, unchanged base first): chrX-31968341-CT-C. GRCh37 (hg19) VCF-style: chrX-31986458-CT-C.
Other names: c.6587del, p.Lys2196fs (NM_000109.4); c.6599del, p.Lys2200fs (NM_004009.3); c.6242del, p.Lys2081fs (NM_004010.3); c.2588del, p.Lys863fs (NM_004011.4); c.2579del, p.Lys860fs (NM_004012.4); c.-770del (NM_004013.3, NM_004020.4, NM_004021.3 and 2 more transcripts); short protein forms K2081fs, K2196fs, K860fs, K2204fs, K863fs, K2200fs.
Identifiers: ClinVar variation 835263 (VCV000835263.8), dbSNP rs863225007, ClinGen allele CA916081254.

ClinVar aggregate classification (germline): Pathogenic (1 of 4 stars; one submission).

Conditions:
Duchenne muscular dystrophy (DMD). Also called: Duchenne Muscular Dystrophy (DMD); MUSCULAR DYSTROPHY, PSEUDOHYPERTROPHIC PROGRESSIVE, DUCHENNE TYPE. Identifiers: Orphanet 98896, MedGen C0013264, MONDO:0010679, OMIM 310200.

Submission:

Labcorp Genetics (formerly Invitae), Labcorp
Classification: Pathogenic for Duchenne muscular dystrophy. Last evaluated: 2019-12-04. Review status: criteria provided, single submitter. Criteria: Invitae Variant Classification Sherloc (09022015). Collection method: clinical testing. Allele origin: germline.
Comment: For these reasons, this variant has been classified as Pathogenic. Loss-of-function variants in DMD are known to be pathogenic (PMID: 16770791, 25007885). This variant has not been reported in the literature in individuals with DMD-related conditions. This variant is not present in population databases (ExAC no frequency). This sequence change creates a premature translational stop signal (p.Lys2204Argfs*3) in the DMD gene. It is expected to result in an absent or disrupted protein product.

Literature cited by the submitters: PubMed 16770791; PubMed 25007885.